The following is an entry in ClinVar:

ClinVar aggregate classification (germline): Likely benign. Review status: criteria provided, multiple submitters, no conflicts (2 of 4 stars). 4 submissions from 4 submitters: Likely benign (4). Last evaluated 2025-11-19.

Conditions:
HNSHA due to aldolase A deficiency (GSD12). Also called: GLYCOGEN STORAGE DISEASE XII; GSD XII; Glycogen storage disease due to aldolase A deficiency; RED CELL ALDOLASE DEFICIENCY. Identifiers: Orphanet 57, MedGen C0272066, MONDO:0012747, OMIM 611881.

Allele frequency attached by ClinVar (database versions not stated): gnomAD exomes 0.00005 and 0.00014; ExAC 0.00017; gnomAD 0.00058; 1000 Genomes Project 0.00060; 1000 Genomes Project 30x 0.00062; TOPMed 0.00062; ESP Exome Variant Server 0.00092.
gnomAD v4.1: 161 of 1,613,894 alleles (0.01%); highest among the groups gnomAD compares: African/African-American, 0.2%; no homozygotes.

Submissions (4):

Labcorp Genetics (formerly Invitae), Labcorp
Classification: Likely benign for HNSHA due to aldolase A deficiency. Last evaluated: 2025-11-19. Review status: criteria provided, single submitter. Criteria: Invitae Variant Classification Sherloc (09022015). Collection method: clinical testing. Allele origin: germline.

Mayo Clinic Laboratories, Mayo Clinic
Classification: Likely benign. Last evaluated: 2025-05-15. Review status: criteria provided, single submitter. Criteria: ACMG Guidelines, 2015. Collection method: clinical testing. Allele origin: germline. Observed: 2 variant alleles.
Comment: BP4, BP7

ARUP Laboratories, Molecular Genetics and Genomics, ARUP Laboratories
Classification: Likely benign for HNSHA due to aldolase A deficiency. Last evaluated: 2024-12-23. Review status: criteria provided, single submitter. Criteria: ARUP Molecular Germline Variant Investigation Process 2024. Collection method: clinical testing. Allele origin: germline.

GeneDx
Classification: Likely benign. Last evaluated: 2019-12-03. Review status: criteria provided, single submitter. Criteria: GeneDx Variant Classification Process June 2021. Collection method: clinical testing. Allele origin: germline. Affected: yes.

NM_001243177.4(ALDOA):c.471T>A (p.Gly157=)

Genes: ALDOA (aldolase, fructose-bisphosphate A; plus strand), LOC112694756 (uncharaterized LOC112694756; plus strand). Cytogenetic location: 16p11.2.
Variant type: single nucleotide variant.
Coding change: c.471T>A on transcript NM_001243177.4 (MANE Select); coding-DNA position 471, T replaced by A.
Protein change: p.Gly157=; no amino-acid change (glycine 157 retained).
Molecular consequence: synonymous variant. On other transcripts: 3 prime UTR variant (3).
Genome position (GRCh38, 1-based): chr16:30,067,646, T>A. VCF-style: chr16-30067646-T-A. GRCh37 (hg19) VCF-style: chr16-30078967-T-A.
Other names: NM_000034.3:c.309T>A; p.Gly103=; c.*818T>A (NM_001365304.2, NM_001365305.2, NM_001365307.2); c.309T>A, p.Gly103= (NM_001127617.2, NM_184041.5, NM_184043.2); c.309T>A (NM_184041.4).
Identifiers: ClinVar variation 513100 (VCV000513100.10), dbSNP rs142231603, ClinGen allele CA8000918.